The following is an entry in ClinVar:

ClinVar aggregate classification (germline): Uncertain significance. Review status: criteria provided, multiple submitters, no conflicts (2 of 4 stars). 3 submissions from 3 submitters: Uncertain significance (3). Last evaluated 2025-08-11.

Conditions:
Inborn genetic diseases. Identifiers: MedGen C0950123, MeSH D030342.
Autosomal dominant polycystic kidney disease. Identifiers: Orphanet 730, MedGen C0085413, MONDO:0004691.

Allele frequency attached by ClinVar (database versions not stated): ExAC 0.00010.
gnomAD v4.1: 20 of 1,448,296 alleles (0.0014%); highest among the groups gnomAD compares: South Asian, 0.017%; no homozygotes.

Submissions (3):

Labcorp Genetics (formerly Invitae), Labcorp
Classification: Uncertain significance for Autosomal dominant polycystic kidney disease. Last evaluated: 2025-08-11. Review status: criteria provided, single submitter. Criteria: Invitae Variant Classification Sherloc (09022015). Collection method: clinical testing. Allele origin: germline.
Comment: This sequence change replaces aspartic acid, which is acidic and polar, with histidine, which is basic and polar, at codon 66 of the PKD2 protein (p.Asp66His). This variant is present in population databases (rs763629363, gnomAD 0.03%), and has an allele count higher than expected for a pathogenic variant. This variant has not been reported in the literature in individuals affected with PKD2-related conditions. ClinVar contains an entry for this variant (Variation ID: 1435552). An algorithm developed to predict the effect of missense changes on protein structure and function (PolyPhen-2) suggests that this variant is likely to be disruptive. In summary, the available evidence is currently insufficient to determine the role of this variant in disease. Therefore, it has been classified as a Variant of Uncertain Significance.

Ambry Genetics
Classification: Uncertain significance for Inborn genetic diseases. Last evaluated: 2024-11-29. Review status: criteria provided, single submitter. Criteria: Ambry Variant Classification Scheme 2023. Collection method: clinical testing. Allele origin: germline.

GeneDx
Classification: Uncertain significance. Last evaluated: 2022-02-07. Review status: criteria provided, single submitter. Criteria: GeneDx Variant Classification Process June 2021. Collection method: clinical testing. Allele origin: germline. Affected: yes.
Comment: In silico analysis supports that this missense variant does not alter protein structure/function; Has not been previously published as pathogenic or benign to our knowledge

NM_000297.4(PKD2):c.196G>C (p.Asp66His)

Genes: PKD2 (polycystin 2, transient receptor potential cation channel; plus strand), LOC129992813 (ATAC-STARR-seq lymphoblastoid silent region 15559; plus strand). Cytogenetic location: 4q22.1.
Variant type: single nucleotide variant.
Coding change: c.196G>C on transcript NM_000297.4 (MANE Select); coding-DNA position 196, G replaced by C.
Protein change: p.Asp66His; replaces aspartic acid 66 with histidine.
Molecular consequence: missense variant. On other transcripts: non-coding transcript variant (1).
Genome position (GRCh38, 1-based): chr4:88,007,929, G>C. VCF-style: chr4-88007929-G-C. GRCh37 (hg19) VCF-style: chr4-88929081-G-C.
Other names: short protein forms D66H.
Identifiers: ClinVar variation 1435552 (VCV001435552.8), dbSNP rs763629363, ClinGen allele CA3003715.